The following is an entry in ClinVar:

NM_014712.3(SETD1A):c.2954A>G (p.Glu985Gly)

Gene: SETD1A (SET domain containing 1A, histone lysine methyltransferase; plus strand). Cytogenetic location: 16p11.2.
Variant type: single nucleotide variant.
Coding change: c.2954A>G on transcript NM_014712.3 (MANE Select); coding-DNA position 2954, A replaced by G.
Protein change: p.Glu985Gly; replaces glutamic acid 985 with glycine.
Molecular consequence: missense variant.
Genome position (GRCh38, 1-based): chr16:30,969,627, A>G. VCF-style: chr16-30969627-A-G. GRCh37 (hg19) VCF-style: chr16-30980948-A-G.
Other names: short protein forms E985G.
Identifiers: ClinVar variation 3372660 (VCV003372660.1).
Genomic context (GRCh38, chr16:30,969,627, plus strand): 5'-CTTCCTGTTAGTCCTCATTTGTCTTTTTTCTTAAGGATGAGGAGGATGACGAGGAAGATG[A>G]GGAAGATGAAGATCGAGAGGAAGCTGTGGATACCACAAAGAAGGAGACAGAGGTGTCGGA-3'
Protein context (NP_055527.1, residues 975-995): EKDEEDDEED[Glu985Gly]EDEDREEAVD

ClinVar aggregate classification (germline): Uncertain significance (1 of 4 stars; one submission).

Submission:

GeneDx
Classification: Uncertain significance. Last evaluated: 2024-04-24. Review status: criteria provided, single submitter. Criteria: GeneDx Variant Classification Process June 2021. Collection method: clinical testing. Allele origin: germline. Affected: yes.
Comment: Not observed at significant frequency in large population cohorts (gnomAD); In silico analysis supports that this missense variant has a deleterious effect on protein structure/function; Has not been previously published as pathogenic or benign to our knowledge